The following is an entry in ClinVar:

ClinVar aggregate classification (germline): Uncertain significance (1 of 4 stars; one submission).

Submission:

Labcorp Genetics (formerly Invitae), Labcorp
Classification: Uncertain significance. Last evaluated: 2024-07-28. Review status: criteria provided, single submitter. Criteria: Invitae Variant Classification Sherloc (09022015). Collection method: clinical testing. Allele origin: germline.
Comment: This sequence change replaces histidine, which is basic and polar, with glutamine, which is neutral and polar, at codon 3235 of the DCHS1 protein (p.His3235Gln). This variant is not present in population databases (gnomAD no frequency). This variant has not been reported in the literature in individuals affected with DCHS1-related conditions. Advanced modeling of protein sequence and biophysical properties (such as structural, functional, and spatial information, amino acid conservation, physicochemical variation, residue mobility, and thermodynamic stability) performed at Invitae indicates that this missense variant is not expected to disrupt DCHS1 protein function with a negative predictive value of 95%. In summary, the available evidence is currently insufficient to determine the role of this variant in disease. Therefore, it has been classified as a Variant of Uncertain Significance.

NM_003737.4(DCHS1):c.9705C>A (p.His3235Gln)

Gene: DCHS1 (dachsous cadherin-related 1; minus strand). Cytogenetic location: 11p15.4.
Variant type: single nucleotide variant.
Coding change: c.9705C>A on transcript NM_003737.4 (MANE Select); coding-DNA position 9705, C replaced by A.
Protein change: p.His3235Gln; replaces histidine 3235 with glutamine.
Molecular consequence: missense variant.
Genome position (GRCh38, 1-based): chr11:6,621,971, G>T on the plus strand (C>A on the coding strand, the complement: DCHS1 is on the minus strand). VCF-style: chr11-6621971-G-T. GRCh37 (hg19) VCF-style: chr11-6643202-G-T.
Other names: short protein forms H3235Q.
Identifiers: ClinVar variation 3708348 (VCV003708348.2).